The following is an entry in ClinVar:

NM_004183.4(BEST1):c.1694_1695delinsAC (p.Thr565Asn)

Gene: BEST1 (bestrophin 1; plus strand). Cytogenetic location: 11q12.3.
Variant type: Indel.
Coding change: c.1694_1695delinsAC on transcript NM_004183.4 (MANE Select); coding-DNA positions 1694 to 1695, CT replaced by AC.
Protein change: p.Thr565Asn; replaces threonine 565 with asparagine.
Molecular consequence: missense variant. On other transcripts: non-coding transcript variant (1).
Genome position (GRCh38, 1-based): chr11:61,962,848-61,962,849, CT replaced by AC. VCF-style: chr11-61962848-CT-AC. GRCh37 (hg19) VCF-style: chr11-61730320-CT-AC.
Other names: c.1514_1515delCTinsAC, p.Thr505Asn (NM_001139443.3); c.1433_1434delinsAC, p.Thr478Asn (NM_001300786.2); c.1514_1515delinsAC, p.Thr505Asn (NM_001300787.2); c.1376_1377delCTinsAC, p.Thr459Asn (NM_001363591.3); c.*589_*590delCTinsAC (NM_001363592.2); c.722_723delCTinsAC, p.Thr241Asn (NM_001363593.3); short protein forms T241N, T459N, T478N, T505N, T565N.
Identifiers: ClinVar variation 1007097 (VCV001007097.7), dbSNP rs1942219945, ClinGen allele CA1977537287.

ClinVar aggregate classification (germline): Uncertain significance (1 of 4 stars; one submission).

Submission:

Labcorp Genetics (formerly Invitae), Labcorp
Classification: Uncertain significance. Last evaluated: 2020-05-20. Review status: criteria provided, single submitter. Criteria: Invitae Variant Classification Sherloc (09022015). Collection method: clinical testing. Allele origin: germline.
Comment: The frequency data for this variant in the population databases is not available, as this variant may be reported as separate entries in the ExAC database. In summary, the available evidence is currently insufficient to determine the role of this variant in disease. Therefore, it has been classified as a Variant of Uncertain Significance. Algorithms developed to predict the effect of missense changes on protein structure and function are either unavailable or do not agree on the potential impact of this missense change (SIFT: "Not Available"; PolyPhen-2: "Benign"; Align-GVGD: "Not Available"). This variant has not been reported in the literature in individuals with BEST1-related conditions. This sequence change replaces threonine with asparagine at codon 565 of the BEST1 protein (p.Thr565Asn). The threonine residue is weakly conserved and there is a small physicochemical difference between threonine and asparagine.